The following is an entry in ClinVar:

ClinVar aggregate classification (germline): Uncertain significance. Review status: criteria provided, multiple submitters, no conflicts (2 of 4 stars). 2 submissions from 2 submitters: Uncertain significance (2). Last evaluated 2023-03-24.

Conditions:
Hereditary cancer-predisposing syndrome. Also called: Hereditary neoplastic syndrome; Tumor predisposition; Hereditary Cancer Syndrome; Neoplastic Syndromes, Hereditary. Identifiers: Orphanet 140162, MedGen C0027672, MeSH D009386, MONDO:0015356.
Neuroblastoma, susceptibility to, 3. Also called: ALK-Related Neuroblastic Tumor Susceptibility. Identifiers: Orphanet 635, MedGen C2751681, MONDO:0013083, OMIM 613014.

Submissions (2):

Ambry Genetics
Classification: Uncertain significance for Hereditary cancer-predisposing syndrome. Last evaluated: 2023-03-24. Review status: criteria provided, single submitter. Criteria: Ambry Variant Classification Scheme 2023. Collection method: clinical testing. Allele origin: germline.
Comment: The p.V108F variant (also known as c.322G>T), located in coding exon 1 of the ALK gene, results from a G to T substitution at nucleotide position 322. The valine at codon 108 is replaced by phenylalanine, an amino acid with highly similar properties. This amino acid position is conserved. In addition, this alteration is predicted to be tolerated by in silico analysis. Since supporting evidence is limited at this time, the clinical significance of this alteration remains unclear.

Labcorp Genetics (formerly Invitae), Labcorp
Classification: Uncertain significance for Neuroblastoma, susceptibility to, 3. Last evaluated: 2021-11-04. Review status: criteria provided, single submitter. Criteria: Invitae Variant Classification Sherloc (09022015). Collection method: clinical testing. Allele origin: germline.
Comment: This sequence change replaces valine, which is neutral and non-polar, with phenylalanine, which is neutral and non-polar, at codon 108 of the ALK protein (p.Val108Phe). This variant is not present in population databases (gnomAD no frequency). This variant has not been reported in the literature in individuals affected with ALK-related conditions. Algorithms developed to predict the effect of missense changes on protein structure and function are either unavailable or do not agree on the potential impact of this missense change (SIFT: "Deleterious"; PolyPhen-2: "Benign"; Align-GVGD: "Class C0"). In summary, the available evidence is currently insufficient to determine the role of this variant in disease. Therefore, it has been classified as a Variant of Uncertain Significance.

NM_004304.5(ALK):c.322G>T (p.Val108Phe)

Gene: ALK (ALK receptor tyrosine kinase; minus strand). Cytogenetic location: 2p23.1.
Variant type: single nucleotide variant.
Coding change: c.322G>T on transcript NM_004304.5 (MANE Select); coding-DNA position 322, G replaced by T.
Protein change: p.Val108Phe; replaces valine 108 with phenylalanine.
Molecular consequence: missense variant.
Genome position (GRCh38, 1-based): chr2:29,920,338, C>A on the plus strand (G>T on the coding strand, the complement: ALK is on the minus strand). VCF-style: chr2-29920338-C-A. GRCh37 (hg19) VCF-style: chr2-30143204-C-A.
Other names: c.322G>T (NM_004304.4); short protein forms V108F.
Identifiers: ClinVar variation 1422733 (VCV001422733.7), dbSNP rs1338077965, ClinGen allele CA346590264.